The following is an entry in ClinVar:

ClinVar aggregate classification (germline): Uncertain significance (1 of 4 stars; one submission).

Allele frequency attached by ClinVar (database versions not stated): ExAC 0.00001; gnomAD 0.00001; gnomAD exomes 0.00001; TOPMed 0.00002.
gnomAD v4.1: 9 of 1,614,094 alleles (0.00056%); highest among the groups gnomAD compares: Middle Eastern, 0.016%; no homozygotes.

Submission:

GeneDx
Classification: Uncertain significance. Last evaluated: 2015-10-06. Review status: criteria provided, single submitter. Criteria: GeneDx Variant Classification (06012015). Collection method: clinical testing. Allele origin: germline. Affected: yes.
Comment: The R185W variant has not been published as a pathogenic variant, nor has it been reported as a benign variant to our knowledge. The R185W variant was not observed in approximately 6500 individuals of European and African American ancestry in the NHLBI Exome Sequencing Project, indicating it is not a common benign variant in these populations. The R185W variant is a non-conservative amino acid substitution, which is likely to impact secondary protein structure as these residues differ in polarity, charge, size and/or other properties. This substitution occurs at a position that is conserved across species. In silico analysis predicts this variant is probably damaging to the protein structure/function. Missense variants in nearby residues (R183C, R183H, R184C) have been reported in the Human Gene Mutation Database in association with BSC1L-related disorders (Stenson et al., 2014). Therefore, we interpret R185W to be a variant of uncertain significance.

NM_001079866.2(BCS1L):c.553C>T (p.Arg185Trp)

Gene: BCS1L (BCS1 homolog, ubiquinol-cytochrome c reductase complex chaperone; plus strand). Cytogenetic location: 2q35.
Variant type: single nucleotide variant.
Coding change: c.553C>T on transcript NM_001079866.2 (MANE Select); coding-DNA position 553, C replaced by T.
Protein change: p.Arg185Trp; replaces arginine 185 with tryptophan.
Molecular consequence: missense variant. On other transcripts: non-coding transcript variant (1).
Genome position (GRCh38, 1-based): chr2:218,661,851, C>T. VCF-style: chr2-218661851-C-T. GRCh37 (hg19) VCF-style: chr2-219526574-C-T.
Other names: p.R185W:CGG>TGG; c.553C>T, p.Arg185Trp (NM_001257342.2, NM_001257343.2, NM_001257344.2 and 10 more transcripts); c.193C>T, p.Arg65Trp (NM_001318836.2, NM_001371451.1); c.52C>T, p.Arg18Trp (NM_001371452.1, NM_001371453.1, NM_001371454.1 and 3 more transcripts); short protein forms R185W, R65W, R18W.
Identifiers: ClinVar variation 214167 (VCV000214167.2), dbSNP rs748859459, ClinGen allele CA320735.